The following is an entry in ClinVar:

ClinVar aggregate classification (germline): Likely benign. Review status: criteria provided, multiple submitters, no conflicts (2 of 4 stars). 7 submissions from 7 submitters: Likely benign (7). Last evaluated 2026-01-15.

Conditions:
Hereditary cancer-predisposing syndrome. Also called: Tumor predisposition; Neoplastic Syndromes, Hereditary; Hereditary neoplastic syndrome; Hereditary Cancer Syndrome. Identifiers: Orphanet 140162, MedGen C0027672, MeSH D009386, MONDO:0015356.
Familial adenomatous polyposis 2. Also called: COLORECTAL ADENOMATOUS POLYPOSIS, AUTOSOMAL RECESSIVE; ADENOMAS, MULTIPLE COLORECTAL, AUTOSOMAL RECESSIVE; FAP type 2; MYH-associated polyposis; MUTYH-related attenuated familial adenomatous polyposis; Adenomas, multiple colorectal. Identifiers: Orphanet 220460, Orphanet 247798, MedGen C3272841, MONDO:0012041, OMIM 608456.

Allele frequency attached by ClinVar (database versions not stated): TOPMed below 0.00001; ExAC 0.00001; gnomAD exomes 0.00001.

Submissions (7):

Labcorp Genetics (formerly Invitae), Labcorp
Classification: Likely benign for Familial adenomatous polyposis 2. Last evaluated: 2026-01-15. Review status: criteria provided, single submitter. Criteria: Invitae Variant Classification Sherloc (09022015). Collection method: clinical testing. Allele origin: germline.

Blueprint Genetics
Classification: Likely benign. Last evaluated: 2024-11-18. Review status: criteria provided, single submitter. Criteria: ACMG Guidelines, 2015. Collection method: clinical testing. Allele origin: germline.

All of Us Research Program, National Institutes of Health
Classification: Likely benign for Familial adenomatous polyposis 2. Last evaluated: 2023-07-19. Review status: criteria provided, single submitter. Criteria: ACMG Guidelines, 2015. Collection method: clinical testing. Allele origin: germline. Inheritance: Autosomal recessive inheritance. Observed: 1 variant allele, 1 heterozygote.
Comment: This study involves interpretation of variants in research participants for the purpose of population health screening. Participant phenotype was not available at the time of variant classification. Additional details can be found in publication PMID: 35346344, PMCID: PMC8962531

Sema4
Classification: Likely benign for Hereditary cancer-predisposing syndrome. Last evaluated: 2022-01-18. Review status: criteria provided, single submitter. Criteria: Sema4 Curation Guidelines. Collection method: curation. Allele origin: germline.

GeneDx
Classification: Likely benign. Last evaluated: 2018-03-08. Review status: criteria provided, single submitter. Criteria: GeneDx Variant Classification (06012015). Collection method: clinical testing. Allele origin: germline. Affected: yes.
Comment: This variant is considered likely benign or benign based on one or more of the following criteria: it is a conservative change, it occurs at a poorly conserved position in the protein, it is predicted to be benign by multiple in silico algorithms, and/or has population frequency not consistent with disease.

Color Diagnostics, LLC DBA Color Health
Classification: Likely benign for Hereditary cancer-predisposing syndrome. Last evaluated: 2016-12-18. Review status: criteria provided, single submitter. Criteria: ACMG Guidelines, 2015. Collection method: clinical testing. Allele origin: germline.

Ambry Genetics
Classification: Likely benign for Hereditary cancer-predisposing syndrome. Last evaluated: 2014-10-21. Review status: criteria provided, single submitter. Criteria: Ambry Variant Classification Scheme 2023. Collection method: clinical testing. Allele origin: germline.

NM_001048174.2(MUTYH):c.735C>G (p.Ala245=)

Gene: MUTYH (mutY DNA glycosylase; minus strand). Cytogenetic location: 1p34.1.
Variant type: single nucleotide variant.
Coding change: c.735C>G on transcript NM_001048174.2 (MANE Select); coding-DNA position 735, C replaced by G.
Protein change: p.Ala245=; no amino-acid change (alanine 245 retained).
Molecular consequence: synonymous variant. On other transcripts: non-coding transcript variant (2).
Genome position (GRCh38, 1-based): chr1:45,332,280, G>C on the plus strand (C>G on the coding strand, the complement: MUTYH is on the minus strand). VCF-style: chr1-45332280-G-C. GRCh37 (hg19) VCF-style: chr1-45797952-G-C.
Other names: c.735C>G, p.Ala245= (NM_001048171.2, NM_001048173.2, NM_001293195.2); c.738C>G, p.Ala246= (NM_001048172.2); c.819C>G, p.Ala273= (NM_001128425.2); c.780C>G, p.Ala260= (NM_001293190.2); c.768C>G, p.Ala256= (NM_001293191.2); c.459C>G, p.Ala153= (NM_001293192.2, NM_001293196.2); c.390C>G, p.Ala130= (NM_001350650.2, NM_001350651.2); c.810C>G, p.Ala270= (NM_012222.3).
Identifiers: ClinVar variation 186749 (VCV000186749.21), dbSNP rs753807655, ClinGen allele CA014376.